The following is an entry in ClinVar:

NM_003136.4(SRP54):c.318T>A (p.Phe106Leu)

Gene: SRP54 (signal recognition particle 54; plus strand). Cytogenetic location: 14q13.2.
Variant type: single nucleotide variant.
Coding change: c.318T>A on transcript NM_003136.4 (MANE Select); coding-DNA position 318, T replaced by A.
Protein change: p.Phe106Leu; replaces phenylalanine 106 with leucine.
Molecular consequence: missense variant.
Genome position (GRCh38, 1-based): chr14:35,007,345, T>A. VCF-style: chr14-35007345-T-A. GRCh37 (hg19) VCF-style: chr14-35476551-T-A.
Other names: c.171T>A, p.Phe57Leu (NM_001146282.2); c.318T>A, p.Phe106Leu (NM_001411017.1); short protein forms F106L, F57L.
Identifiers: ClinVar variation 3642986 (VCV003642986.2).

ClinVar aggregate classification (germline): Uncertain significance (1 of 4 stars; one submission).

gnomAD v4.1: 5 of 1,596,590 alleles (0.00031%); highest among the groups gnomAD compares: Non-Finnish European, 0.00043%; no homozygotes.

Submission:

Labcorp Genetics (formerly Invitae), Labcorp
Classification: Uncertain significance. Last evaluated: 2024-02-24. Review status: criteria provided, single submitter. Criteria: Invitae Variant Classification Sherloc (09022015). Collection method: clinical testing. Allele origin: germline.
Comment: This sequence change replaces phenylalanine, which is neutral and non-polar, with leucine, which is neutral and non-polar, at codon 106 of the SRP54 protein (p.Phe106Leu). This variant is present in population databases (no rsID available, gnomAD 0.0009%). This variant has not been reported in the literature in individuals affected with SRP54-related conditions. Advanced modeling of protein sequence and biophysical properties (such as structural, functional, and spatial information, amino acid conservation, physicochemical variation, residue mobility, and thermodynamic stability) performed at Invitae indicates that this missense variant is not expected to disrupt SRP54 protein function with a negative predictive value of 80%. In summary, the available evidence is currently insufficient to determine the role of this variant in disease. Therefore, it has been classified as a Variant of Uncertain Significance.